The following is an entry in ClinVar:

NM_032656.4(DHX37):c.2816G>A (p.Arg939His)

Gene: DHX37 (DEAH-box helicase 37; minus strand). Cytogenetic location: 12q24.31.
Variant type: single nucleotide variant.
Coding change: c.2816G>A on transcript NM_032656.4 (MANE Select); coding-DNA position 2816, G replaced by A.
Protein change: p.Arg939His; replaces arginine 939 with histidine.
Molecular consequence: missense variant.
Genome position (GRCh38, 1-based): chr12:124,952,450, C>T on the plus strand (G>A on the coding strand, the complement: DHX37 is on the minus strand). VCF-style: chr12-124952450-C-T. GRCh37 (hg19) VCF-style: chr12-125436996-C-T.
Other names: short protein forms R939H.
Identifiers: ClinVar variation 2217582 (VCV002217582.5), dbSNP rs145503759, ClinGen allele CA6871479.

ClinVar aggregate classification (germline): Uncertain significance. Review status: criteria provided, multiple submitters, no conflicts (2 of 4 stars). 2 submissions from 2 submitters: Uncertain significance (2). Last evaluated 2025-08-18.

Conditions:
Inborn genetic diseases. Identifiers: MedGen C0950123, MeSH D030342.

Allele frequency attached by ClinVar (database versions not stated): ESP Exome Variant Server 0.00015.
gnomAD v4.1: 27 of 1,610,854 alleles (0.0017%); highest among the groups gnomAD compares: African/African-American, 0.011%; no homozygotes.

Submissions (2):

Labcorp Genetics (formerly Invitae), Labcorp
Classification: Uncertain significance. Last evaluated: 2025-08-18. Review status: criteria provided, single submitter. Criteria: Invitae Variant Classification Sherloc (09022015). Collection method: clinical testing. Allele origin: germline.
Comment: This sequence change replaces arginine, which is basic and polar, with histidine, which is basic and polar, at codon 939 of the DHX37 protein (p.Arg939His). The frequency data for this variant in the population databases is considered unreliable, as metrics indicate poor data quality at this position in the gnomAD database. This variant has not been reported in the literature in individuals affected with DHX37-related conditions. ClinVar contains an entry for this variant (Variation ID: 2217582). Invitae Evidence Modeling of protein sequence and biophysical properties (such as structural, functional, and spatial information, amino acid conservation, physicochemical variation, residue mobility, and thermodynamic stability) indicates that this missense variant is not expected to disrupt DHX37 protein function with a negative predictive value of 80%. In summary, the available evidence is currently insufficient to determine the role of this variant in disease. Therefore, it has been classified as a Variant of Uncertain Significance.

Ambry Genetics
Classification: Uncertain significance for Inborn genetic diseases. Last evaluated: 2021-11-12. Review status: criteria provided, single submitter. Criteria: Ambry Variant Classification Scheme 2023. Collection method: clinical testing. Allele origin: germline.